The following is an entry in ClinVar:

ClinVar aggregate classification (germline): Uncertain significance (1 of 4 stars; one submission).

Submission:

Clinical Genomics Laboratory, Laboratory for Precision Diagnostics, University of Washington
Classification: Uncertain significance. Last evaluated: 2025-02-07. Review status: criteria provided, single submitter. Criteria: ACMG/ClinGen CNV Guidelines, 2019. Collection method: clinical testing. Allele origin: unknown. Affected: yes. Observed: 1 variant allele.
Comment: These three interstitial duplications are each separated by a region of typical two copies. Previous studies have shown that rings can be composed of discontinuous chromosomal regions (PMID: 7485165). The most proximal of the duplications is immediately next to the centromere of chromosome 4. These duplications may form a complex ring chromosome of chromosome 4 that includes a centromere. However, this test cannot determine genomic structure. This duplication is approximately 290 kb in size and affects three protein-coding genes, ABCG2, PPM1K, and HERC6. None of the genes in this region are confirmed to cause medical problems in humans when an extra copy is present (triplosensitivity), and this is not a known triplosensitive genomic region. The proximal breakpoint of the duplication lies within ABCG2 and the distal breakpoint lies within HERC6. It is unknown whether this duplication would disrupt ABCG2 or HERC6, affect their expression, or form a fusion of ABCG2 and HERC6. No similar duplications are found in public databases of copy number variants found in healthy control groups or in people who had clinical testing. No people with similar duplications have been published in the medical literature.

GRCh38/hg38 4q22.1(chr4:88104957-88395077)x3

Genes: ABCG2 (ATP binding cassette subfamily G member 2 (JR blood group); minus strand), HERC6 (HECT and RLD domain containing E3 ubiquitin protein ligase family member 6; plus strand), PPM1K (protein phosphatase, Mg2+/Mn2+ dependent 1K; minus strand), PPM1K-DT (PPM1K divergent transcript; plus strand), LOC123477785 (Sharpr-MPRA regulatory region 2987; plus strand) and 6 more. Cytogenetic location: 4q22.1.
Variant type: copy number gain.
Change: copy number 3 (three copies instead of two) of chr4:88,104,957-88,395,077 (290.1 kb, GRCh38 coordinates, 1-based), cytogenetic band 4q22.1.
Identifiers: ClinVar variation 5038332 (VCV005038332.1).